The following continues an entry in ClinVar:

NM_007294.4(BRCA1):c.1504_1508del (p.Leu502fs)

Gene: BRCA1. ClinVar aggregate classification (germline): Pathogenic. Pathogenic (1).

Submissions 28 to 36 of 36:

Center of Medical Genetics and Primary Health Care
Classification: Pathogenic for Bilateral Breast Cancer. Last evaluated: 2020-04-08. Review status: no assertion criteria provided. Collection method: research. Allele origin: germline. Affected: yes. Observed: 1 heterozygote. Not counted in ClinVar's aggregate classification.
Comment: ACMG Guidelines 2015 criteria The BRCA1 p.Leu502Alafs is a known pathogenic frameshift variant in exon 11 and in the serine-rich domain (A344-507R aa) with limited information, however there's information about the SQ (serine-glutamine rich) cluster, whose phosphorylation is critical for allowing adequate time for completing normal Homologous Recombination Repair (HRR) prior to mitosis and preventing cells from entering G1 prematurely resulting in gross chromosomal aberrations (PMID: 28039444). The deletion causes a frameshift, which changes a Leucine to an Alanine at codon 502, and creates a premature stop codon at position 2 of the new reading frame, and this null variant is predicted to cause loss of normal protein function through either protein truncation or nonsense-mediated mRNA decay which is an established disease mechanism in hereditary breast and ovarian cancer (PVS1 Pathogenic Very Strong). This variant is also in a mutational hotspot of 32 pathogenic frameshift and nonsense variants (PM1 Pathogenic Moderate). The allele frequency in GnomAD exomes is 0.0000119 which is less than the threshold 0.0001 for recessive gene BRCA1, and the variant is not found in GnomAD genomes (PM2 Pathogenic Moderate). The variant has been classified as pathogenic by the ClinGen-approved ENIGMA expert panel (ClinVar SCV000282260.1) (PP5 Pathogenic Supporting). 1 pathogenic prediction from GERP versus no benign prediction supports its deleterious effect (PP3 Pathogenic Supporting). Therefore, this variant was classified as a Pathogenic.

Counsyl
Classification: Pathogenic for Breast-ovarian cancer, familial, susceptibility to, 1. Last evaluated: 2017-05-02. Review status: no assertion criteria provided. Collection method: clinical testing. Allele origin: unknown. Not counted in ClinVar's aggregate classification.

Donald Williams Parsons Laboratory, Baylor College of Medicine
Classification: other for DYSGERMINOMA. Last evaluated: 2016-05-01. Review status: no assertion criteria provided. Collection method: clinical testing. Allele origin: somatic. Inheritance: Somatic mutation. Affected: yes. Study: CSER-BASIC3. Not counted in ClinVar's aggregate classification.

Research Molecular Genetics Laboratory, Women's College Hospital, University of Toronto
Classification: Pathogenic for Hereditary breast ovarian cancer syndrome. Last evaluated: 2014-01-31. Review status: no assertion criteria provided. Collection method: research. Allele origin: germline. Affected: yes. Study: The Canadian Open Genetics Repository (COGR). Not counted in ClinVar's aggregate classification.

Sharing Clinical Reports Project (SCRP)
Classification: Pathogenic for Breast-ovarian cancer, familial 1. Last evaluated: 2012-05-01. Review status: no assertion criteria provided. Collection method: clinical testing. Allele origin: germline. Not counted in ClinVar's aggregate classification.

Breast Cancer Information Core (BIC) (BRCA1)
Classification: Pathogenic for Breast-ovarian cancer, familial 1. Last evaluated: 2002-05-29. Review status: no assertion criteria provided. Collection method: clinical testing. Allele origin: germline. Affected: yes. Observed: 29 variant alleles. Not counted in ClinVar's aggregate classification.

Clinical Genetics DNA and cytogenetics Diagnostics Lab, Erasmus MC, Erasmus Medical Center
Classification: Pathogenic. Review status: no assertion criteria provided. Collection method: clinical testing. Allele origin: germline. Affected: yes. Study: VKGL Data-share Consensus. Not counted in ClinVar's aggregate classification.

Clinical Genetics Laboratory, Department of Pathology, Netherlands Cancer Institute
Classification: Pathogenic. Review status: no assertion criteria provided. Collection method: clinical testing. Allele origin: germline. Affected: yes. Study: VKGL Data-share Consensus. Not counted in ClinVar's aggregate classification.

Department of Pathology and Laboratory Medicine, Sinai Health System
Classification: Pathogenic for Malignant tumor of breast. Review status: no assertion criteria provided. Collection method: clinical testing. Allele origin: unknown. Affected: yes. Observed: 1 variant allele. Study: The Canadian Open Genetics Repository (COGR). Not counted in ClinVar's aggregate classification.
Comment: The BRCA1 p.Leu502AlafsX2 variant was identified in 11 of 12654 proband chromosomes (frequency: 0.0009) from individuals or families with breast and ovarian cancer (Borg 2010, de Juan Jimenez 2013, Ellingson 2015, Konstantopoulou 2000, Peelen 1997, Riahi 2015, Stavropoulou 2013, Van Der Merwe 2012, Wong-Brown 2015); however, control chromosomes were not evaluated in these studies, thus the prevalence of this variant in the general population could not be determined. The variant was also identified in the following databases: dbSNP (ID: rs80357888) as "With Pathogenic allele", ClinVar (13x pathogenic), Clinvitae (5x pathogenic), GeneInsight-COGR (2x pathogenic), Cosmic (1x, confirmed somatic, in tumour of the ovary), LOVD 3.0 (15x), UMD-LSDB (13x causal), BIC Database (29x pathogenic), and ARUP Laboratories (definitely pathogenic). The variant was not identified in the MutDB or the Zhejiang Colon Cancer Databases. The variant was not identified in the control databases: the 1000 Genomes Project, the NHLBI GO Exome Sequencing Project, the Exome Aggregation Consortium (August 8th 2016), or the Genome Aggregation Database (Feb 27, 2017). The c.1504_1508delTTAAA variant is predicted to cause a frameshift, which alters the protein's amino acid sequence beginning at codon 502 and leads to a premature stop codon at position 503. This alteration is then predicted to result in a truncated or absent protein and loss of function. Loss of function variants of the BRCA1 gene are an established mechanism of disease in hereditary breast and ovarian cancer and is the type of variant expected to cause the disorder. In summary, based on the above information this variant meets our laboratoryâ€šÃ„Ã´s criteria to be classified as pathogenic.

Literature cited by the submitters: PubMed 20104584 (cited by 6 submitters); PubMed 9150151 (cited by 5 submitters); PubMed 23479189 (cited by 7 submitters); PubMed 23536787 (cited by 5 submitters); PubMed 24372583 (cited by 6 submitters); PubMed 26296701 (cited by 5 submitters); PubMed 33471991 (cited by 3 submitters); PubMed 32467295 (cited by Quest Diagnostics Nichols Institute San Juan Capistrano); PubMed 10980541 (cited by Quest Diagnostics Nichols Institute San Juan Capistrano); PubMed 11606101 (cited by Quest Diagnostics Nichols Institute San Juan Capistrano); PubMed 22034289 (cited by Quest Diagnostics Nichols Institute San Juan Capistrano); PubMed 38439815 (cited by Quest Diagnostics Nichols Institute San Juan Capistrano); PubMed 39582020 (cited by Quest Diagnostics Nichols Institute San Juan Capistrano); PubMed 27062684 (cited by Quest Diagnostics Nichols Institute San Juan Capistrano); PubMed 29907814 (cited by Quest Diagnostics Nichols Institute San Juan Capistrano and Ambry Genetics); PubMed 27836010 (cited by 3 submitters); PubMed 28993434 (cited by 5 submitters); PubMed 31159747 (cited by Quest Diagnostics Nichols Institute San Juan Capistrano); PubMed 30720863 (cited by Quest Diagnostics Nichols Institute San Juan Capistrano); PubMed 30702160 (cited by Quest Diagnostics Nichols Institute San Juan Capistrano); PubMed 30322717 (cited by Quest Diagnostics Nichols Institute San Juan Capistrano); PubMed 30078507 (cited by 4 submitters); PubMed 24728189 (cited by 4 submitters); PubMed 21204799 (cited by 4 submitters); PubMed 24312913 (cited by Quest Diagnostics Nichols Institute San Juan Capistrano and Institute for Genomic Medicine (IGM) Clinical Laboratory, Nationwide Children's Hospital); PubMed 26295337 (cited by Quest Diagnostics Nichols Institute San Juan Capistrano); PubMed 11376024 (cited by 4 submitters); PubMed 19491284 (cited by 3 submitters); PubMed 32885271 (cited by Ambry Genetics); PubMed 24010542 (cited by 4 submitters); PubMed 30130155 (cited by 4 submitters); PubMed 29446198 (cited by Women's Health and Genetics/Laboratory Corporation of America, LabCorp); PubMed 16683254 (cited by Counsyl); PubMed 26822237 (cited by Donald Williams Parsons Laboratory, Baylor College of Medicine); Konstantopoulou et al, Hu Mut 2000 (cited by Breast Cancer Information Core (BIC) (BRCA1)).